The following is an entry in ClinVar:

NM_005359.6(SMAD4):c.1139+4T>C

Gene: SMAD4 (SMAD family member 4; plus strand). Cytogenetic location: 18q21.2.
Variant type: single nucleotide variant.
Coding change: c.1139+4T>C on transcript NM_005359.6 (MANE Select); 4 bases into the intron after coding-DNA position 1139, T replaced by C.
Molecular consequence: intron variant. On other transcripts: synonymous variant (1), non-coding transcript variant (1).
Genome position (GRCh38, 1-based): chr18:51,065,610, T>C. VCF-style: chr18-51065610-T-C. GRCh37 (hg19) VCF-style: chr18-48591980-T-C.
Other names: c.1143T>C, p.Tyr381= (NM_001407043.1); c.1139+4T>C (NM_001407042.1, NM_001407041.1).
Identifiers: ClinVar variation 4759031 (VCV004759031.1).

ClinVar aggregate classification (germline): Uncertain significance (1 of 4 stars; one submission).

Conditions:
Hereditary cancer-predisposing syndrome. Also called: Neoplastic Syndromes, Hereditary; Hereditary neoplastic syndrome; Tumor predisposition; Hereditary Cancer Syndrome. Identifiers: Orphanet 140162, MedGen C0027672, MeSH D009386, MONDO:0015356.

Submission:

Color Diagnostics, LLC DBA Color Health
Classification: Uncertain significance for Hereditary cancer-predisposing syndrome. Last evaluated: 2025-07-25. Review status: criteria provided, single submitter. Criteria: ACMG Guidelines, 2015. Collection method: clinical testing. Allele origin: germline.
Comment: This variant causes a T to C nucleotide substitution at the +4 position of intron 9/11 of the SMAD4 gene. To our knowledge, functional studies have not been reported for this variant. This variant has not been reported in individuals affected with SMAD4-related disorders in the literature. This variant has not been identified in the general population by the Genome Aggregation Database (gnomAD). The available evidence is insufficient to determine the role of this variant in disease conclusively. Therefore, this variant is classified as a Variant of Uncertain Significance.